The following is an entry in ClinVar:

NM_032119.4(ADGRV1):c.11248T>C (p.Ser3750Pro)

Gene: ADGRV1 (adhesion G protein-coupled receptor V1; plus strand). Cytogenetic location: 5q14.3.
Variant type: single nucleotide variant.
Coding change: c.11248T>C on transcript NM_032119.4 (MANE Select); coding-DNA position 11248, T replaced by C.
Protein change: p.Ser3750Pro; replaces serine 3750 with proline.
Molecular consequence: missense variant. On other transcripts: non-coding transcript variant (1).
Genome position (GRCh38, 1-based): chr5:90,753,700, T>C. VCF-style: chr5-90753700-T-C. GRCh37 (hg19) VCF-style: chr5-90049517-T-C.
Other names: short protein forms S3750P.
Identifiers: ClinVar variation 836405 (VCV000836405.7), dbSNP rs867800403, ClinGen allele CA122798019.

ClinVar aggregate classification (germline): Uncertain significance (1 of 4 stars; one submission).

Allele frequency attached by ClinVar (database versions not stated): gnomAD 0.00001; TOPMed 0.00002.
gnomAD v4.1: 4 of 1,613,618 alleles (0.00025%); highest among the groups gnomAD compares: Admixed American, 0.0017%; no homozygotes.

Submission:

Labcorp Genetics (formerly Invitae), Labcorp
Classification: Uncertain significance. Last evaluated: 2022-03-10. Review status: criteria provided, single submitter. Criteria: Invitae Variant Classification Sherloc (09022015). Collection method: clinical testing. Allele origin: germline.
Comment: This sequence change replaces serine, which is neutral and polar, with proline, which is neutral and non-polar, at codon 3750 of the ADGRV1 protein (p.Ser3750Pro). This variant is not present in population databases (gnomAD no frequency). This variant has not been reported in the literature in individuals affected with ADGRV1-related conditions. ClinVar contains an entry for this variant (Variation ID: 836405). Algorithms developed to predict the effect of missense changes on protein structure and function output the following: SIFT: "Tolerated"; PolyPhen-2: "Benign"; Align-GVGD: "Class C0". The proline amino acid residue is found in multiple mammalian species, which suggests that this missense change does not adversely affect protein function. In summary, the available evidence is currently insufficient to determine the role of this variant in disease. Therefore, it has been classified as a Variant of Uncertain Significance.